The following is an entry in ClinVar:

NM_000038.6(APC):c.4765C>T (p.Arg1589Cys)

Gene: APC (APC regulator of Wnt signaling pathway; plus strand). Cytogenetic location: 5q22.2.
Variant type: single nucleotide variant.
Coding change: c.4765C>T on transcript NM_000038.6 (MANE Select); coding-DNA position 4765, C replaced by T.
Protein change: p.Arg1589Cys; replaces arginine 1589 with cysteine.
Molecular consequence: missense variant.
Genome position (GRCh38, 1-based): chr5:112,840,359, C>T. VCF-style: chr5-112840359-C-T. GRCh37 (hg19) VCF-style: chr5-112176056-C-T.
Other names: c.4765C>T, p.Arg1589Cys (NM_001127510.3, NM_001354895.2); c.4711C>T, p.Arg1571Cys (NM_001127511.3); c.4819C>T, p.Arg1607Cys (NM_001354896.2); c.4795C>T, p.Arg1599Cys (NM_001354897.2); c.4690C>T, p.Arg1564Cys (NM_001354898.2); c.4681C>T, p.Arg1561Cys (NM_001354899.2); c.4642C>T, p.Arg1548Cys (NM_001354900.2); c.4588C>T, p.Arg1530Cys (NM_001354901.2); and 5 more; short protein forms R1571C, R1589C, R1306C, R1498C, R1607C, R1429C, R1488C, R1599C.
Identifiers: ClinVar variation 188075 (VCV000188075.42), dbSNP rs72541813, ClinGen allele CA009735.

ClinVar aggregate classification (germline): Conflicting classifications of pathogenicity. Review status: criteria provided, conflicting classifications (1 of 4 stars). 10 submissions from 10 submitters: Uncertain significance (5); Likely benign (5). Last evaluated 2026-01-28.

Conditions:
Classic or attenuated familial adenomatous polyposis. Identifiers: MedGen CN372698, MONDO:0021057.
APC-related disorder. Also called: APC-related condition.
Hereditary cancer-predisposing syndrome. Also called: Neoplastic Syndromes, Hereditary; Tumor predisposition; Hereditary neoplastic syndrome; Hereditary Cancer Syndrome. Identifiers: Orphanet 140162, MedGen C0027672, MeSH D009386, MONDO:0015356.
Familial adenomatous polyposis 1 (FAP1). Also called: FAMILIAL ADENOMATOUS POLYPOSIS 1, ATTENUATED; POLYPOSIS, ADENOMATOUS INTESTINAL. Identifiers: MedGen C2713442, MONDO:0021056, OMIM 175100. Disease mechanism: loss of function.

Allele frequency attached by ClinVar (database versions not stated): TOPMed 0.00003.
gnomAD v4.1: 71 of 1,614,028 alleles (0.0044%); highest among the groups gnomAD compares: African/African-American, 0.0067%; no homozygotes.

Submissions (10):

Labcorp Genetics (formerly Invitae), Labcorp
Classification: Likely benign for Familial adenomatous polyposis 1. Last evaluated: 2026-01-28. Review status: criteria provided, single submitter. Criteria: Invitae Variant Classification Sherloc (09022015). Collection method: clinical testing. Allele origin: germline.

PreventionGenetics, part of Exact Sciences
Classification: Likely benign for APC-related condition. Last evaluated: 2025-12-12. Review status: criteria provided, single submitter. Criteria: ACMG Guidelines, 2015. Collection method: clinical testing. Allele origin: germline.
Comment: This variant is classified as likely benign based on ACMG/AMP sequence variant interpretation guidelines (Richards et al. 2015 PMID: 25741868, with internal and published modifications).

Quest Diagnostics Nichols Institute San Juan Capistrano
Classification: Uncertain significance. Last evaluated: 2025-09-29. Review status: criteria provided, single submitter. Criteria: Quest Diagnostics criteria. Collection method: clinical testing. Allele origin: unknown.
Comment: The APC c.4765C>T (p.Arg1589Cys) variant has been reported in the published literature in an individual with prostate cancer (PMID: 35534218 (2022)). This variant has also been identified in reportedly unaffected individuals (PMID: 18199528 (2008)). The frequency of this variant in the general population (Genome Aggregation Database) is higher than would generally be expected for pathogenic variants in this gene. Analysis of this variant using bioinformatics tools for the prediction of the effect of amino acid changes on protein structure and function yielded predictions that this variant is damaging. Based on the available information, we are unable to determine the clinical significance of this variant.

Center for Genomic Medicine, Rigshospitalet, Copenhagen University Hospital
Classification: Likely benign. Last evaluated: 2025-03-04. Review status: criteria provided, single submitter. Criteria: ACMG Guidelines, 2015. Collection method: clinical testing. Allele origin: germline.

GeneDx
Classification: Uncertain significance. Last evaluated: 2024-05-13. Review status: criteria provided, single submitter. Criteria: GeneDx Variant Classification Process June 2021. Collection method: clinical testing. Allele origin: germline. Affected: yes.
Comment: In silico analysis supports that this missense variant has a deleterious effect on protein structure/function; This variant is associated with the following publications: (PMID: 18199528, 26178707, 31552911, 32070411, 25815427, 35534218)

All of Us Research Program, National Institutes of Health
Classification: Uncertain significance for Classic or attenuated familial adenomatous polyposis. Last evaluated: 2024-04-16. Review status: criteria provided, single submitter. Criteria: ACMG Guidelines, 2015. Collection method: clinical testing. Allele origin: germline. Inheritance: Autosomal dominant inheritance. Observed: 5 variant alleles, 5 heterozygotes.
Comment: This missense variant replaces arginine with cysteine at codon 1589 of the APC protein. Computational prediction suggests that this variant may not impact protein structure and function (internally defined REVEL score threshold <= 0.5, PMID: 27666373). To our knowledge, functional studies have not been reported for this variant. This variant has not been reported in individuals affected with APC-related disorders in the literature. In a large study of individuals affected with colorectal adenomas, this variant was absent in affected individuals and reported in a healthy control individual (PMID: 18199528). This variant has been identified in 23/282472 chromosomes in the general population by the Genome Aggregation Database (gnomAD). The available evidence is insufficient to determine the role of this variant in disease conclusively. Therefore, this variant is classified as a Variant of Uncertain Significance.

This study involves interpretation of variants in research participants for the purpose of population health screening. Participant phenotype was not available at the time of variant classification. Additional details can be found in publication PMID: 35346344, PMCID: PMC8962531

Color Diagnostics, LLC DBA Color Health
Classification: Uncertain significance for Hereditary cancer-predisposing syndrome. Last evaluated: 2024-03-05. Review status: criteria provided, single submitter. Criteria: ACMG Guidelines, 2015. Collection method: clinical testing. Allele origin: germline.
Comment: This missense variant replaces arginine with cysteine at codon 1589 of the APC protein. Computational prediction suggests that this variant may not impact protein structure and function (internally defined REVEL score threshold <= 0.5, PMID: 27666373). To our knowledge, functional studies have not been reported for this variant. This variant has not been reported in individuals affected with APC-related disorders in the literature. In a large study of individuals affected with colorectal adenomas, this variant was absent in affected individuals and reported in a healthy control individual (PMID: 18199528). This variant has been identified in 23/282472 chromosomes in the general population by the Genome Aggregation Database (gnomAD). The available evidence is insufficient to determine the role of this variant in disease conclusively. Therefore, this variant is classified as a Variant of Uncertain Significance.

Genetic Services Laboratory, University of Chicago
Classification: Uncertain significance. Last evaluated: 2021-12-22. Review status: criteria provided, single submitter. Criteria: ACMG Guidelines, 2015. Collection method: clinical testing. Allele origin: germline. Affected: no.
Comment: DNA sequence analysis of the APC gene demonstrated a sequence change, c.4765C>T, in exon 16 that results in an amino acid change, p.Arg1589Cys. This sequence change has been described in the gnomAD database with a frequency of 0.01%in the African/African American subpopulation (dbSNP rs72541813). The p.Arg1589Cys change affects a moderately conserved amino acid residue located in a domain of the APC protein that is known to be functional. In-silico pathogenicity prediction tools (SIFT, PolyPhen2, Align GVGD, REVEL) provide contradictory results for the p.Arg1589Cys substitution. This sequence change does not appear to have been previously described in individuals with APC-related disorders. Due to insufficient evidences and the lack of functional studies, the clinical significance of the p.Arg1589Cys change remains unknown at this time.

Women's Health and Genetics/Laboratory Corporation of America, LabCorp
Classification: Likely benign. Last evaluated: 2021-06-21. Review status: criteria provided, single submitter. Criteria: LabCorp Variant Classification Summary - May 2015. Collection method: clinical testing. Allele origin: germline.
Comment: Variant summary: APC c.4765C>T (p.Arg1589Cys) results in a non-conservative amino acid change in the encoded protein sequence. Five of five in-silico tools predict a damaging effect of the variant on protein function. The variant allele was found at a frequency of 7.6e-05 in 251116 control chromosomes, predominantly at a frequency of 0.00011 within the Non-Finnish European subpopulation in the gnomAD database. The observed variant frequency within Non-Finnish European control individuals in the gnomAD database is approximately 1.5 fold of the estimated maximal expected allele frequency for a pathogenic variant in APC causing Familial Adenomatous Polyposis phenotype (7.1e-05), suggesting that the variant is a benign polymorphism. In a case-control study, the variant was absent in 691 unrelated North American patients with colorectal adenomas, but was found in 969 matched healthy controls (Azzopardi_2008). In addition, the variant, c.4765C>T, has been reported in the literature as a germline variant in an individual affected with melanocytic nevi (Pawlikowski_2015), and was found in a suspected premalignant pancreatic lesion and in tumor samples (melanoma, gastric carcinoma), however it was unclear if it occurred as a germline or somatic alteration (Garman_2017, Plougmann_2020, Sa_2020). These reports do not provide unequivocal conclusions about association of the variant with Familial Adenomatous Polyposis. To our knowledge, no experimental evidence demonstrating an impact on protein function has been reported. Four clinical diagnostic laboratories have submitted clinical-significance assessments for this variant to ClinVar after 2014 without evidence for independent evaluation, and classified the variant as VUS (n=2) or likely benign (n=2). Based on the evidence outlined above, the variant was classified as likely benign.

Ambry Genetics
Classification: Likely benign for Hereditary cancer-predisposing syndrome. Last evaluated: 2020-02-13. Review status: criteria provided, single submitter. Criteria: Ambry Variant Classification Scheme 2023. Collection method: clinical testing. Allele origin: germline.

Literature cited by the submitters: PubMed 37937776 (cited by Quest Diagnostics Nichols Institute San Juan Capistrano); PubMed 35534218 (cited by Quest Diagnostics Nichols Institute San Juan Capistrano); PubMed 18199528 (cited by 5 submitters); PubMed 31552911 (cited by Women's Health and Genetics/Laboratory Corporation of America, LabCorp); PubMed 29141224 (cited by Women's Health and Genetics/Laboratory Corporation of America, LabCorp); PubMed 25815427 (cited by Women's Health and Genetics/Laboratory Corporation of America, LabCorp); PubMed 32070411 (cited by Women's Health and Genetics/Laboratory Corporation of America, LabCorp); PubMed 26178707 (cited by Ambry Genetics).